The following is an entry in ClinVar:

ClinVar aggregate classification (germline): Pathogenic (1 of 4 stars; one submission).

Conditions:
Ellis-van Creveld syndrome (EVC). Also called: Chondroectodermal dysplasia; MESOECTODERMAL DYSPLASIA; EVC-Related Ellis-van Creveld Syndrome; EVC2-Related Ellis-van Creveld Syndrome. Identifiers: Orphanet 289, MedGen C0013903, MONDO:0009162, OMIM 225500.
Curry-Hall syndrome (WAD). Also called: WEYERS ACRODENTAL DYSOSTOSIS. Identifiers: Orphanet 952, MedGen C0457013, MONDO:0008673, OMIM 193530.

Submission:

Labcorp Genetics (formerly Invitae), Labcorp
Classification: Pathogenic for Curry-Hall syndrome; Ellis-van Creveld syndrome. Last evaluated: 2021-09-06. Review status: criteria provided, single submitter. Criteria: Invitae Variant Classification Sherloc (09022015). Collection method: clinical testing. Allele origin: germline.
Comment: A gross deletion of the genomic region encompassing the full coding sequence of the EVC2 gene has been identified. Loss-of-function variants in EVC2 are known to be pathogenic (PMID: 17024374, 19810119, 19876929). The boundaries of this event are unknown as they extend beyond the assayed region for this gene and therefore may encompass additional genes. This variant has not been reported in the literature in individuals affected with EVC2-related conditions. For these reasons, this variant has been classified as Pathogenic.

Literature cited by the submitters: PubMed 17024374; PubMed 19810119; PubMed 19876929.

NC_000004.11:g.(?_5563146)_(5711294_?)del

Gene: EVC2 (EvC ciliary complex subunit 2; minus strand). Cytogenetic location: 4p16.2.
Variant type: Deletion.
Identifiers: ClinVar variation 1460148 (VCV001460148.2).